The following is an entry in ClinVar:

NM_024616.3(C3orf52):c.411C>G (p.Tyr137Ter)

Gene: C3orf52 (chromosome 3 open reading frame 52; plus strand). Cytogenetic location: 3q13.2.
Variant type: single nucleotide variant.
Coding change: c.411C>G on transcript NM_024616.3 (MANE Select); coding-DNA position 411, C replaced by G.
Protein change: p.Tyr137Ter; replaces tyrosine 137 with a stop codon.
Molecular consequence: nonsense. On other transcripts: intron variant (1).
Genome position (GRCh38, 1-based): chr3:112,109,557, C>G. VCF-style: chr3-112109557-C-G. GRCh37 (hg19) VCF-style: chr3-111828404-C-G.
Other names: c.396+6592C>G (NM_001171747.2); short protein forms Y137*.
Identifiers: ClinVar variation 3776195 (VCV003776195.1).

ClinVar aggregate classification (germline): Pathogenic (1 of 4 stars; one submission).

Conditions:
Hypotrichosis 15 (HYPT15). Identifiers: MedGen C5774279, MONDO:0859341, OMIM 620177.

gnomAD v4.1: 1 of 1,598,224 alleles (0.000063%); highest among the groups gnomAD compares: South Asian, 0.0011%; no homozygotes.

Submission:

3billion
Classification: Pathogenic for Hypotrichosis 15. Last evaluated: 2024-02-29. Review status: criteria provided, single submitter. Criteria: ACMG Guidelines, 2015. Collection method: clinical testing. Allele origin: germline. Affected: yes.
Comment: The variant is not observed in the gnomAD v2.1.1 dataset. Predicted Consequence/Location: Stop-gained (nonsense): predicted to result in a loss or disruption of normal protein function through nonsense-mediated decay (NMD) or protein truncation. Multiple pathogenic variants are reported downstream of the variant. Therefore, this variant is classified as Pathogenic according to the recommendation of ACMG/AMP guideline.